The following is an entry in ClinVar:

ClinVar aggregate classification (germline): Conflicting classifications of pathogenicity. Review status: criteria provided, conflicting classifications (1 of 4 stars). 4 submissions from 4 submitters: Pathogenic (1); Likely pathogenic (2); Uncertain significance (1). Last evaluated 2026-04-01.

Conditions:
Combined immunodeficiency with skin granulomas. Identifiers: Orphanet 157949, MedGen C2673536, MONDO:0009306, OMIM 233650.
Severe combined immunodeficiency, autosomal recessive, T cell-negative, B cell-negative, NK cell-positive. Also called: SCID, AR, T-cell negative, B-cell negative, NK cell-positive; Severe combined immunodeficiency due to complete RAG1/2 deficiency; SCID, T CELL-NEGATIVE, B CELL-NEGATIVE, NK CELL-POSITIVE. Identifiers: Orphanet 331206, MedGen C1832322, MONDO:0011086, OMIM 601457.
Primary ciliary dyskinesia. Also called: Ciliary dyskinesia. Identifiers: Orphanet 244, MedGen C0008780, MONDO:0016575, HP:0012265.
Combined immunodeficiency due to partial RAG1 deficiency. Identifiers: Orphanet 231154, MedGen C1835931, MONDO:0012359, OMIM 609889.

Allele frequency attached by ClinVar (database versions not stated): gnomAD exomes below 0.00001; TOPMed 0.00001.
gnomAD v4.1: 1 of 1,614,246 alleles (0.000062%); highest among the groups gnomAD compares: Non-Finnish European, 0.000085%; no homozygotes.

Submissions (4):

Department of Human Genetics, Hannover Medical School
Classification: Uncertain significance for Primary Ciliary Dyskinesia. Last evaluated: 2026-04-01. Review status: criteria provided, single submitter. Criteria: ACMG Guidelines, 2015. Collection method: research. Allele origin: germline. Affected: no.
Comment: Classification performed by HerediClassify using the following criteria:['PM2_supporting: Variant occures does not occur as homozygous in gnomAD.', 'PVS1_protein_strong: Transcript ENST00000299440 is not predicted to undergo NMD. Protein length change of 0.29817833173537867 observed.']

Labcorp Genetics (formerly Invitae), Labcorp
Classification: Pathogenic for Combined immunodeficiency with skin granulomas; Severe combined immunodeficiency, autosomal recessive, T cell-negative, B cell-negative, NK cell-positive. Last evaluated: 2025-02-12. Review status: criteria provided, single submitter. Criteria: Invitae Variant Classification Sherloc (09022015). Collection method: clinical testing. Allele origin: germline.
Comment: This sequence change creates a premature translational stop signal (p.Cys733*) in the RAG1 gene. While this is not anticipated to result in nonsense mediated decay, it is expected to disrupt the last 311 amino acid(s) of the RAG1 protein. This variant is not present in population databases (gnomAD no frequency). This variant has not been reported in the literature in individuals affected with RAG1-related conditions. ClinVar contains an entry for this variant (Variation ID: 871802). This variant disrupts a region of the RAG1 protein in which other variant(s) (p.Trp959*) have been determined to be pathogenic (PMID: 11133745, 24290284, 24406074). This suggests that this is a clinically significant region of the protein, and that variants that disrupt it are likely to be disease-causing. For these reasons, this variant has been classified as Pathogenic.

Baylor Genetics
Classification: Likely pathogenic for Combined immunodeficiency due to partial RAG1 deficiency. Last evaluated: 2023-07-05. Review status: criteria provided, single submitter. Criteria: ACMG Guidelines, 2015. Collection method: clinical testing. Allele origin: unknown.

CeGaT Center for Human Genetics Tuebingen
Classification: Likely pathogenic. Last evaluated: 2020-01-01. Review status: criteria provided, single submitter. Criteria: CeGaT Center For Human Genetics Tuebingen Variant Classification Criteria Version 2. Collection method: clinical testing. Allele origin: germline. Affected: yes. Observed: 3 variant alleles.

Literature cited by the submitters: PubMed 11133745 (cited by Labcorp Genetics (formerly Invitae), Labcorp); PubMed 24290284 (cited by Labcorp Genetics (formerly Invitae), Labcorp); PubMed 24406074 (cited by Labcorp Genetics (formerly Invitae), Labcorp).

NM_000448.3(RAG1):c.2199T>A (p.Cys733Ter)

Gene: RAG1 (recombination activating 1; plus strand). Cytogenetic location: 11p12.
Variant type: single nucleotide variant.
Coding change: c.2199T>A on transcript NM_000448.3 (MANE Select); coding-DNA position 2199, T replaced by A.
Protein change: p.Cys733Ter; replaces cysteine 733 with a stop codon.
Molecular consequence: nonsense.
Genome position (GRCh38, 1-based): chr11:36,575,503, T>A. VCF-style: chr11-36575503-T-A. GRCh37 (hg19) VCF-style: chr11-36597053-T-A.
Other names: c.2199T>A, p.Cys733Ter (NM_001377277.1, NM_001377278.1, NM_001377279.1 and 1 more transcripts); short protein forms C733*.
Identifiers: ClinVar variation 871802 (VCV000871802.47), dbSNP rs1850830824, ClinGen allele CA380154210.